The following is an entry in ClinVar:

NM_003072.5(SMARCA4):c.2629T>G (p.Tyr877Asp)

Gene: SMARCA4 (SWI/SNF related BAF chromatin remodeling complex subunit ATPase 4; plus strand). Cytogenetic location: 19p13.2.
Variant type: single nucleotide variant.
Coding change: c.2629T>G on transcript NM_003072.5 (MANE Select); coding-DNA position 2629, T replaced by G.
Protein change: p.Tyr877Asp; replaces tyrosine 877 with aspartic acid.
Molecular consequence: missense variant. On other transcripts: non-coding transcript variant (1).
Genome position (GRCh38, 1-based): chr19:11,021,737, T>G. VCF-style: chr19-11021737-T-G. GRCh37 (hg19) VCF-style: chr19-11132413-T-G.
Other names: c.2629T>G, p.Tyr877Asp (NM_001128844.3, NM_001128845.2, NM_001128846.2 and 4 more transcripts); short protein forms Y877D.
Identifiers: ClinVar variation 1001569 (VCV001001569.8), dbSNP rs1555778688, ClinGen allele CA404055575.
Genomic context (GRCh38, chr19:11,021,737, plus strand): 5'-GGGCCACCTGCTGCCCCCTGCCCTGATTGCCCACTCTGGGGCCCGCAGATCCGTTGGAAG[T>G]ACATGATTGTGGACGAAGGTCACCGCATGAAGAACCACCACTGCAAGCTGACGCAGGTGC-3'
Protein context (NP_003063.2, residues 867-887): KHILAKIRWK[Tyr877Asp]MIVDEGHRMK

ClinVar aggregate classification (germline): Uncertain significance (1 of 4 stars; one submission).

Conditions:
Rhabdoid tumor predisposition syndrome 2 (RTPS2). Identifiers: Orphanet 231108, Orphanet 69077, MedGen C2750074, MONDO:0013224, OMIM 613325.

Submission:

Labcorp Genetics (formerly Invitae), Labcorp
Classification: Uncertain significance for Rhabdoid tumor predisposition syndrome 2. Last evaluated: 2020-04-21. Review status: criteria provided, single submitter. Criteria: Invitae Variant Classification Sherloc (09022015). Collection method: clinical testing. Allele origin: germline.
Comment: In summary, the available evidence is currently insufficient to determine the role of this variant in disease. Therefore, it has been classified as a Variant of Uncertain Significance. Algorithms developed to predict the effect of missense changes on protein structure and function (SIFT, PolyPhen-2, Align-GVGD) all suggest that this variant is likely to be disruptive, but these predictions have not been confirmed by published functional studies and their clinical significance is uncertain. This variant has not been reported in the literature in individuals with SMARCA4-related conditions. This variant is not present in population databases (ExAC no frequency). This sequence change replaces tyrosine with aspartic acid at codon 877 of the SMARCA4 protein (p.Tyr877Asp). The tyrosine residue is highly conserved and there is a large physicochemical difference between tyrosine and aspartic acid.